The following is an entry in ClinVar:

ClinVar aggregate classification (germline): Uncertain significance. Review status: criteria provided, multiple submitters, no conflicts (2 of 4 stars). 4 submissions from 4 submitters: Uncertain significance (4). Last evaluated 2025-10-27.

Conditions:
Hereditary cancer-predisposing syndrome. Also called: Neoplastic Syndromes, Hereditary; Hereditary Cancer Syndrome; Tumor predisposition; Hereditary neoplastic syndrome. Identifiers: Orphanet 140162, MedGen C0027672, MeSH D009386, MONDO:0015356.
Hereditary breast ovarian cancer syndrome. Also called: Hereditary breast and ovarian cancer syndrome (HBOC); Hereditary breast and ovarian cancer; Hereditary breast and ovarian cancer syndrome; Breast and ovarian cancer; Hereditary breast and/or ovarian cancer syndrome; BRCA1- and BRCA2-Associated Hereditary Breast and Ovarian Cancer. Identifiers: Orphanet 145, MedGen C0677776, MeSH D061325, MONDO:0003582. Disease mechanism: loss of function.
BRCA2-related disorder. Also called: BRCA2-related condition; BRCA2-related disorders. Identifiers: MedGen CN239275.
Familial cancer of breast. Also called: BREAST CANCER, FAMILIAL; Hereditary breast cancer; hereditary breast carcinoma. Identifiers: Orphanet 227535, MedGen C0346153, MONDO:0016419, OMIM 114480. Disease mechanism: loss of function.

Submissions (4):

PreventionGenetics, part of Exact Sciences
Classification: Uncertain significance for BRCA2-related condition. Last evaluated: 2025-10-27. Review status: criteria provided, single submitter. Criteria: ACMG Guidelines, 2015. Collection method: clinical testing. Allele origin: germline.
Comment: The BRCA2 c.9742A>G variant is predicted to result in the amino acid substitution p.Met3248Val. To our knowledge, this variant has not been reported in the literature or in a large population database (gnomAD), indicating this variant is rare. This variant is classified as uncertain in ClinVar (Variation ID: 942488). At this time, the clinical significance of this variant is uncertain due to the absence of conclusive functional and genetic evidence.

Ambry Genetics
Classification: Uncertain significance for Hereditary cancer-predisposing syndrome. Last evaluated: 2025-06-25. Review status: criteria provided, single submitter. Criteria: Ambry Variant Classification Scheme 2023. Collection method: clinical testing. Allele origin: germline.
Comment: The p.M3248V variant (also known as c.9742A>G), located in coding exon 26 of the BRCA2 gene, results from an A to G substitution at nucleotide position 9742. The methionine at codon 3248 is replaced by valine, an amino acid with highly similar properties. This amino acid position is poorly conserved in available vertebrate species. In addition, this alteration is predicted to be tolerated by in silico analysis. Based on the available evidence, the clinical significance of this variant remains unclear.

Labcorp Genetics (formerly Invitae), Labcorp
Classification: Uncertain significance for Hereditary breast ovarian cancer syndrome. Last evaluated: 2023-12-17. Review status: criteria provided, single submitter. Criteria: Invitae Variant Classification Sherloc (09022015). Collection method: clinical testing. Allele origin: germline.
Comment: This sequence change replaces methionine, which is neutral and non-polar, with valine, which is neutral and non-polar, at codon 3248 of the BRCA2 protein (p.Met3248Val). This variant is not present in population databases (gnomAD no frequency). This variant has not been reported in the literature in individuals affected with BRCA2-related conditions. ClinVar contains an entry for this variant (Variation ID: 942488). Advanced modeling of protein sequence and biophysical properties (such as structural, functional, and spatial information, amino acid conservation, physicochemical variation, residue mobility, and thermodynamic stability) performed at Invitae indicates that this missense variant is not expected to disrupt BRCA2 protein function with a negative predictive value of 95%. In summary, the available evidence is currently insufficient to determine the role of this variant in disease. Therefore, it has been classified as a Variant of Uncertain Significance.

Baylor Genetics
Classification: Uncertain significance for Familial cancer of breast. Last evaluated: 2023-05-10. Review status: criteria provided, single submitter. Criteria: ACMG Guidelines, 2015. Collection method: clinical testing. Allele origin: unknown.

NM_000059.4(BRCA2):c.9742A>G (p.Met3248Val)

Gene: BRCA2 (BRCA2 DNA repair associated; plus strand). Cytogenetic location: 13q13.1.
Variant type: single nucleotide variant.
Coding change: c.9742A>G on transcript NM_000059.4 (MANE Select); coding-DNA position 9742, A replaced by G.
Protein change: p.Met3248Val; replaces methionine 3248 with valine.
Molecular consequence: missense variant.
Genome position (GRCh38, 1-based): chr13:32,398,255, A>G. VCF-style: chr13-32398255-A-G. GRCh37 (hg19) VCF-style: chr13-32972392-A-G.
Other names: short protein forms M3248V.
Identifiers: ClinVar variation 942488 (VCV000942488.15), dbSNP rs876659778, ClinGen allele CA387765607.